The following is an entry in ClinVar:

NM_139319.3(SLC17A8):c.-218T>C

Gene: SLC17A8 (solute carrier family 17 member 8; plus strand). Cytogenetic location: 12q23.1.
Variant type: single nucleotide variant.
Coding change: c.-218T>C on transcript NM_139319.3 (MANE Select); 218 bases upstream of the start codon, T replaced by C.
Molecular consequence: 5 prime UTR variant.
Genome position (GRCh38, 1-based): chr12:100,357,174, T>C. VCF-style: chr12-100357174-T-C. GRCh37 (hg19) VCF-style: chr12-100750952-T-C.
Other names: c.-218T>C (NM_001145288.2).
Identifiers: ClinVar variation 306619 (VCV000306619.8), dbSNP rs10860582, ClinGen allele CA10639819.
Genomic context (GRCh38, chr12:100,357,174, plus strand): 5'-TGCAGAGCGTGCAGCTTTTGCAAGGGACTGAATTCCCAGCCAGACACCCCTTGGACTCTT[T>C]TTTGGAGGGGTGGGGAGCAGAGAGAGGAGGGAGTTGTCTTATCTTGGAAGATCCGAGCTG-3'

ClinVar aggregate classification (germline): Benign. Review status: criteria provided, multiple submitters, no conflicts (2 of 4 stars). 3 submissions from 3 submitters: Benign (3). Last evaluated 2019-04-07.

Conditions:
Autosomal dominant nonsyndromic hearing loss 25. Identifiers: Orphanet 90635, MedGen C1854158, MONDO:0011568, OMIM 605583.

Allele frequency attached by ClinVar (database versions not stated): 1000 Genomes Project 0.12460; 1000 Genomes Project 30x 0.13023; gnomAD exomes 0.17237; gnomAD 0.17595 and 0.18033; TOPMed 0.17830.
gnomAD v4.1: 88,801 of 511,460 alleles (17%); highest among the groups gnomAD compares: Non-Finnish European, 21%; 8,736 homozygotes.

Submissions (3):

GeneDx
Classification: Benign. Last evaluated: 2019-04-07. Review status: criteria provided, single submitter. Criteria: GeneDx Variant Classification Process June 2021. Collection method: clinical testing. Allele origin: germline. Affected: yes.

Illumina Laboratory Services, Illumina
Classification: Benign for Autosomal dominant nonsyndromic hearing loss 25. Last evaluated: 2018-01-12. Review status: criteria provided, single submitter. Criteria: ICSL Variant Classification Criteria 13 December 2019. Collection method: clinical testing. Allele origin: germline.
Comment: This variant was observed in the ICSL laboratory as part of a predisposition screen in an ostensibly healthy population. It had not been previously curated by ICSL or reported in the Human Gene Mutation Database (HGMD: prior to June 1st, 2018), and was therefore a candidate for classification through an automated scoring system. Utilizing variant allele frequency, disease prevalence and penetrance estimates, and inheritance mode, an automated score was calculated to assess if this variant is too frequent to cause the disease. Based on the score and internal cut-off values, a variant classified as benign is not then subjected to further curation. The score for this variant resulted in a classification of benign for this disease.

Breakthrough Genomics
Classification: Benign. Review status: criteria provided, single submitter. Criteria: ACMG Guidelines, 2015. Collection method: not provided. Allele origin: germline. Inheritance: Autosomal dominant inheritance. Affected: yes.